The following is an entry in ClinVar:

NM_018418.5(SPATA7):c.371A>G (p.Lys124Arg)

Gene: SPATA7 (spermatogenesis associated 7; plus strand). Cytogenetic location: 14q31.3.
Variant type: single nucleotide variant.
Coding change: c.371A>G on transcript NM_018418.5 (MANE Select); coding-DNA position 371, A replaced by G.
Protein change: p.Lys124Arg; replaces lysine 124 with arginine.
Molecular consequence: missense variant.
Genome position (GRCh38, 1-based): chr14:88,416,843, A>G. VCF-style: chr14-88416843-A-G. GRCh37 (hg19) VCF-style: chr14-88883187-A-G.
Other names: c.275A>G, p.Lys92Arg (NM_001040428.4); short protein forms K124R, K92R.
Identifiers: ClinVar variation 2125678 (VCV002125678.4), dbSNP rs2504193186, ClinGen allele CA390557288.
Genomic context (GRCh38, chr14:88,416,843, plus strand): 5'-AAACTGCAATGCGAGCCAATTATAAAAATAATTCCAAGTCACTTTTTAATACCTTACAAA[A>G]GGTAAGATAGTATTTTTATTTTTTAAAAGCAAATGTTTCTAAGGTACTTCTTTAGTGGTA-3'
Protein context (NP_060888.2, residues 114-134): NSKSLFNTLQ[Lys124Arg]PSGEPQIEDD

ClinVar aggregate classification (germline): Uncertain significance (1 of 4 stars; one submission).

Conditions:
Leber congenital amaurosis 3 (LCA3). Also called: SPATA7-Related Retinitis Pigmentosa. Identifiers: MedGen C1858677, MONDO:0011415, OMIM 604232.

Submission:

Labcorp Genetics (formerly Invitae), Labcorp
Classification: Uncertain significance for Leber congenital amaurosis 3. Last evaluated: 2022-05-20. Review status: criteria provided, single submitter. Criteria: Invitae Variant Classification Sherloc (09022015). Collection method: clinical testing. Allele origin: germline.
Comment: In summary, the available evidence is currently insufficient to determine the role of this variant in disease. Therefore, it has been classified as a Variant of Uncertain Significance. Algorithms developed to predict the effect of missense changes on protein structure and function (SIFT, PolyPhen-2, Align-GVGD) all suggest that this variant is likely to be tolerated. This variant has not been reported in the literature in individuals affected with SPATA7-related conditions. This variant is not present in population databases (gnomAD no frequency). This sequence change replaces lysine, which is basic and polar, with arginine, which is basic and polar, at codon 124 of the SPATA7 protein (p.Lys124Arg).